The following is an entry in ClinVar:

NM_005529.7(HSPG2):c.6848G>A (p.Gly2283Asp)

Genes: HSPG2 (heparan sulfate proteoglycan 2; minus strand), LOC126805655 (CDK7 strongly-dependent group 2 enhancer GRCh37_chr1:22178409-22179608; plus strand). Cytogenetic location: 1p36.12.
Variant type: single nucleotide variant.
Coding change: c.6848G>A on transcript NM_005529.7 (MANE Select); coding-DNA position 6848, G replaced by A.
Protein change: p.Gly2283Asp; replaces glycine 2283 with aspartic acid.
Molecular consequence: missense variant.
Genome position (GRCh38, 1-based): chr1:21,852,110, C>T on the plus strand (G>A on the coding strand, the complement: HSPG2 is on the minus strand). VCF-style: chr1-21852110-C-T. GRCh37 (hg19) VCF-style: chr1-22178603-C-T.
Other names: c.6851G>A, p.Gly2284Asp (NM_001291860.2); short protein forms G2284D, G2283D.
Identifiers: ClinVar variation 1920643 (VCV001920643.5), dbSNP rs111507574, ClinGen allele CA671416.

ClinVar aggregate classification (germline): Uncertain significance (1 of 4 stars; one submission).

Allele frequency attached by ClinVar (database versions not stated): ExAC 0.00001; gnomAD 0.00001; TOPMed 0.00003.
gnomAD v4.1: 8 of 1,613,588 alleles (0.0005%); highest among the groups gnomAD compares: African/African-American, 0.0067%; no homozygotes.

Submission:

Labcorp Genetics (formerly Invitae), Labcorp
Classification: Uncertain significance. Last evaluated: 2022-05-31. Review status: criteria provided, single submitter. Criteria: Invitae Variant Classification Sherloc (09022015). Collection method: clinical testing. Allele origin: germline.
Comment: This sequence change replaces glycine, which is neutral and non-polar, with aspartic acid, which is acidic and polar, at codon 2283 of the HSPG2 protein (p.Gly2283Asp). This variant is present in population databases (rs111507574, gnomAD 0.008%). This variant has not been reported in the literature in individuals affected with HSPG2-related conditions. Algorithms developed to predict the effect of missense changes on protein structure and function are either unavailable or do not agree on the potential impact of this missense change (SIFT: "Tolerated"; PolyPhen-2: "Probably Damaging"; Align-GVGD: "Class C0"). In summary, the available evidence is currently insufficient to determine the role of this variant in disease. Therefore, it has been classified as a Variant of Uncertain Significance.